The following is an entry in ClinVar:

NM_000321.3(RB1):c.2191C>G (p.Leu731Val)

Gene: RB1 (RB transcriptional corepressor 1; plus strand). Cytogenetic location: 13q14.2.
Variant type: single nucleotide variant.
Coding change: c.2191C>G on transcript NM_000321.3 (MANE Select); coding-DNA position 2191, C replaced by G.
Protein change: p.Leu731Val; replaces leucine 731 with valine.
Molecular consequence: missense variant.
Genome position (GRCh38, 1-based): chr13:48,463,815, C>G. VCF-style: chr13-48463815-C-G. GRCh37 (hg19) VCF-style: chr13-49037951-C-G.
Other names: short protein forms L731V.
Identifiers: ClinVar variation 1448546 (VCV001448546.6), dbSNP rs2138342639, ClinGen allele CA388167195.

ClinVar aggregate classification (germline): Uncertain significance (1 of 4 stars; one submission).

Conditions:
Retinoblastoma (RB1). Also called: RETINOBLASTOMA, SOMATIC. Identifiers: Orphanet 790, MedGen C0035335, MeSH D012175, MONDO:0008380, OMIM 180200, HP:0009919. Disease mechanism: loss of function. Inheritance: Both sporadic and heritable forms are tested..

Submission:

Labcorp Genetics (formerly Invitae), Labcorp
Classification: Uncertain significance for Retinoblastoma. Last evaluated: 2021-10-27. Review status: criteria provided, single submitter. Criteria: Invitae Variant Classification Sherloc (09022015). Collection method: clinical testing. Allele origin: germline.
Comment: In summary, the available evidence is currently insufficient to determine the role of this variant in disease. Therefore, it has been classified as a Variant of Uncertain Significance. Algorithms developed to predict the effect of missense changes on protein structure and function are either unavailable or do not agree on the potential impact of this missense change (SIFT: "Deleterious"; PolyPhen-2: "Probably Damaging"; Align-GVGD: "Class C0"). This variant has not been reported in the literature in individuals affected with RB1-related conditions. This variant is not present in population databases (gnomAD no frequency). This sequence change replaces leucine, a(n) neutral and non-polar amino acid, with valine, a(n) neutral and non-polar amino acid, at codon 731 of the RB1 protein (p.Leu731Val).